The following is an entry in ClinVar:

NM_152296.5(ATP1A3):c.793T>A (p.Ser265Thr)

Gene: ATP1A3 (ATPase Na+/K+ transporting subunit alpha 3; minus strand). Cytogenetic location: 19q13.2.
Variant type: single nucleotide variant.
Coding change: c.793T>A on transcript NM_152296.5 (MANE Select); coding-DNA position 793, T replaced by A.
Protein change: p.Ser265Thr; replaces serine 265 with threonine.
Molecular consequence: missense variant.
Genome position (GRCh38, 1-based): chr19:41,985,118, A>T on the plus strand (T>A on the coding strand, the complement: ATP1A3 is on the minus strand). VCF-style: chr19-41985118-A-T. GRCh37 (hg19) VCF-style: chr19-42489270-A-T.
Other names: c.826T>A, p.Ser276Thr (NM_001256213.2); c.832T>A, p.Ser278Thr (NM_001256214.2); short protein forms S276T, S265T, S278T.
Identifiers: ClinVar variation 2809056 (VCV002809056.3), dbSNP rs2514075842, ClinGen allele CA406053126.

ClinVar aggregate classification (germline): Uncertain significance (1 of 4 stars; one submission).

Conditions:
Dystonia 12 (DYT12). Also called: DYT-ATP1A3; Rapid-Onset Dystonia-Parkinsonism (RDP). Identifiers: Orphanet 71517, MedGen C1868681, MONDO:0007496, OMIM 128235.

Submission:

Labcorp Genetics (formerly Invitae), Labcorp
Classification: Uncertain significance for Dystonia 12. Last evaluated: 2022-11-09. Review status: criteria provided, single submitter. Criteria: Invitae Variant Classification Sherloc (09022015). Collection method: clinical testing. Allele origin: germline.
Comment: In summary, the available evidence is currently insufficient to determine the role of this variant in disease. Therefore, it has been classified as a Variant of Uncertain Significance. Algorithms developed to predict the effect of sequence changes on RNA splicing suggest that this variant may create or strengthen a splice site. Advanced modeling of protein sequence and biophysical properties (such as structural, functional, and spatial information, amino acid conservation, physicochemical variation, residue mobility, and thermodynamic stability) performed at Invitae indicates that this missense variant is expected to disrupt ATP1A3 protein function. This variant has not been reported in the literature in individuals affected with ATP1A3-related conditions. This variant is not present in population databases (gnomAD no frequency). This sequence change replaces serine, which is neutral and polar, with threonine, which is neutral and polar, at codon 265 of the ATP1A3 protein (p.Ser265Thr).